The following is an entry in ClinVar:

ClinVar aggregate classification (germline): Likely benign (1 of 4 stars; one submission).

Allele frequency attached by ClinVar (database versions not stated): 1000 Genomes Project 30x 0.00172; 1000 Genomes Project 0.00180; TOPMed 0.00451; ExAC 0.00458; gnomAD 0.00492; ESP Exome Variant Server 0.00507; gnomAD exomes 0.00744.
gnomAD v4.1: 11,520 of 1,614,054 alleles (0.71%); highest among the groups gnomAD compares: Non-Finnish European, 0.9%; 54 homozygotes.

Submission:

CeGaT Center for Human Genetics Tuebingen
Classification: Likely benign. Last evaluated: 2022-04-01. Review status: criteria provided, single submitter. Criteria: CeGaT Center For Human Genetics Tuebingen Variant Classification Criteria Version 2. Collection method: clinical testing. Allele origin: germline. Affected: yes. Observed: 1 variant allele.
Comment: MAML1: BP4, BP7

NM_014757.5(MAML1):c.390C>T (p.Tyr130=)

Gene: MAML1 (mastermind like transcriptional coactivator 1; plus strand). Cytogenetic location: 5q35.3.
Variant type: single nucleotide variant.
Coding change: c.390C>T on transcript NM_014757.5 (MANE Select); coding-DNA position 390, C replaced by T.
Protein change: p.Tyr130=; no amino-acid change (tyrosine 130 retained).
Molecular consequence: synonymous variant.
Genome position (GRCh38, 1-based): chr5:179,765,400, C>T. VCF-style: chr5-179765400-C-T. GRCh37 (hg19) VCF-style: chr5-179192401-C-T.
Identifiers: ClinVar variation 2656135 (VCV002656135.24), dbSNP rs113715124, ClinGen allele CA3598799.